The following is an entry in ClinVar:

NM_000352.6(ABCC8):c.4210A>G (p.Ile1404Val)

Gene: ABCC8 (ATP binding cassette subfamily C member 8; minus strand). Cytogenetic location: 11p15.1.
Variant type: single nucleotide variant.
Coding change: c.4210A>G on transcript NM_000352.6 (MANE Select); coding-DNA position 4210, A replaced by G.
Protein change: p.Ile1404Val; replaces isoleucine 1404 with valine.
Molecular consequence: missense variant. On other transcripts: non-coding transcript variant (1).
Genome position (GRCh38, 1-based): chr11:17,395,707, T>C on the plus strand (A>G on the coding strand, the complement: ABCC8 is on the minus strand). VCF-style: chr11-17395707-T-C. GRCh37 (hg19) VCF-style: chr11-17417254-T-C.
Other names: c.4213A>G, p.Ile1405Val (NM_001287174.3); c.4276A>G, p.Ile1426Val (NM_001351295.2); c.4210A>G, p.Ile1404Val (NM_001351296.2); c.4207A>G, p.Ile1403Val (NM_001351297.2); short protein forms I1403V, I1404V, I1405V, I1426V.
Identifiers: ClinVar variation 4847473 (VCV004847473.1).

ClinVar aggregate classification (germline): Uncertain significance (1 of 4 stars; one submission).

gnomAD v4.1: 1 of 1,555,092 alleles (0.000064%); highest among the groups gnomAD compares: Non-Finnish European, 0.000087%; no homozygotes.

Submission:

Women's Health and Genetics/Laboratory Corporation of America, LabCorp
Classification: Uncertain significance. Last evaluated: 2026-03-04. Review status: criteria provided, single submitter. Criteria: LabCorp Variant Classification Summary - May 2015. Collection method: clinical testing. Allele origin: germline.
Comment: Variant summary: ABCC8 c.4210A>G (p.Ile1404Val) results in a conservative amino acid change in the encoded protein sequence. Algorithms developed to predict the effect of missense changes on protein structure and function are either unavailable or do not agree on the potential impact of this missense change. The variant was absent in 160468 control chromosomes (gnomAD). The available data on variant occurrences in the general population are insufficient to allow any conclusion about variant significance. c.4210A>G has been observed in an individual affected with early onset diabetes (Li_2021). These data do not allow any conclusion about variant significance. To our knowledge, no experimental evidence demonstrating an impact on protein function has been reported. The following publication has been ascertained in the context of this evaluation (PMID: 33300273). No submitters have cited clinical-significance assessments for this variant to ClinVar. Based on the evidence outlined above, the variant was classified as uncertain significance.

Literature cited by the submitters: PubMed 33300273.